The following is an entry in ClinVar:

NM_000276.4(OCRL):c.12G>C (p.Pro4=)

Genes: OCRL (OCRL inositol polyphosphate-5-phosphatase; plus strand), LOC113875008 (Sharpr-MPRA regulatory region 13828; plus strand). Cytogenetic location: Xq26.1.
Variant type: single nucleotide variant.
Coding change: c.12G>C on transcript NM_000276.4 (MANE Select); coding-DNA position 12, G replaced by C.
Protein change: p.Pro4=; no amino-acid change (proline 4 retained).
Molecular consequence: synonymous variant.
Genome position (GRCh38, 1-based): chrX:129,540,451, G>C. VCF-style: chrX-129540451-G-C. GRCh37 (hg19) VCF-style: chrX-128674428-G-C.
Other names: c.12G>C, p.Pro4= (NM_001318784.2, NM_001587.4).
Identifiers: ClinVar variation 2155424 (VCV002155424.5), dbSNP rs776661920, ClinGen allele CA10511908.

ClinVar aggregate classification (germline): Likely benign. Review status: criteria provided, multiple submitters, no conflicts (2 of 4 stars). 2 submissions from 2 submitters: Likely benign (2). Last evaluated 2026-08-01.

Conditions:
Lowe syndrome (OCRL). Also called: LOWE OCULOCEREBRORENAL SYNDROME; PHOSPHATIDYLINOSITOL 4,5-BISPHOSPHATE 5-PHOSPHATASE DEFICIENCY; Oculocerebrorenal Syndrome. Identifiers: Orphanet 534, MedGen C0028860, MONDO:0010645, OMIM 309000.

Allele frequency attached by ClinVar (database versions not stated): gnomAD exomes 0.00001; TOPMed 0.00005; gnomAD 0.00008; 1000 Genomes Project 30x 0.00021.
gnomAD v4.1: 11 of 1,151,630 alleles (0.00096%); highest among the groups gnomAD compares: African/African-American, 0.018%; no homozygotes.

Submissions (2):

CeGaT Center for Human Genetics Tuebingen
Classification: Likely benign. Last evaluated: 2026-08-01. Review status: criteria provided, single submitter. Criteria: CeGaT Center For Human Genetics Tuebingen Variant Classification Criteria Version 2. Collection method: clinical testing. Allele origin: germline. Affected: yes. Observed: 1 variant allele.
Comment: OCRL: BP4, BP7

Labcorp Genetics (formerly Invitae), Labcorp
Classification: Likely benign for Lowe syndrome. Last evaluated: 2025-03-30. Review status: criteria provided, single submitter. Criteria: Invitae Variant Classification Sherloc (09022015). Collection method: clinical testing. Allele origin: germline.